The following is an entry in ClinVar:

NM_007348.4(ATF6):c.1208G>A (p.Arg403Lys)

Gene: ATF6 (activating transcription factor 6; plus strand). Cytogenetic location: 1q23.3.
Variant type: single nucleotide variant.
Coding change: c.1208G>A on transcript NM_007348.4 (MANE Select); coding-DNA position 1208, G replaced by A.
Protein change: p.Arg403Lys; replaces arginine 403 with lysine.
Molecular consequence: missense variant.
Genome position (GRCh38, 1-based): chr1:161,846,469, G>A. VCF-style: chr1-161846469-G-A. GRCh37 (hg19) VCF-style: chr1-161816259-G-A.
Other names: short protein forms R403K.
Identifiers: ClinVar variation 1368981 (VCV001368981.8), dbSNP rs2101819141, ClinGen allele CA343378581.

ClinVar aggregate classification (germline): Uncertain significance (1 of 4 stars; one submission).

Allele frequency attached by ClinVar (database versions not stated): gnomAD exomes below 0.00001.
gnomAD v4.1: 3 of 1,603,166 alleles (0.00019%); highest among the groups gnomAD compares: Non-Finnish European, 0.00017%; no homozygotes.

Submission:

Labcorp Genetics (formerly Invitae), Labcorp
Classification: Uncertain significance. Last evaluated: 2022-06-20. Review status: criteria provided, single submitter. Criteria: Invitae Variant Classification Sherloc (09022015). Collection method: clinical testing. Allele origin: germline.
Comment: This sequence change replaces arginine, which is basic and polar, with lysine, which is basic and polar, at codon 403 of the ATF6 protein (p.Arg403Lys). This variant is not present in population databases (gnomAD no frequency). This variant has not been reported in the literature in individuals affected with ATF6-related conditions. Algorithms developed to predict the effect of missense changes on protein structure and function output the following: SIFT: "Tolerated"; PolyPhen-2: "Benign"; Align-GVGD: "Class C0". The lysine amino acid residue is found in multiple mammalian species, which suggests that this missense change does not adversely affect protein function. In summary, the available evidence is currently insufficient to determine the role of this variant in disease. Therefore, it has been classified as a Variant of Uncertain Significance.